The following is an entry in ClinVar:

NM_000512.5(GALNS):c.1488G>A (p.Trp496Ter)

Gene: GALNS (galactosamine (N-acetyl)-6-sulfatase; minus strand). Cytogenetic location: 16q24.3.
Variant type: single nucleotide variant.
Coding change: c.1488G>A on transcript NM_000512.5 (MANE Select); coding-DNA position 1488, G replaced by A.
Protein change: p.Trp496Ter; replaces tryptophan 496 with a stop codon.
Molecular consequence: nonsense.
Genome position (GRCh38, 1-based): chr16:88,814,520, C>T on the plus strand (G>A on the coding strand, the complement: GALNS is on the minus strand). VCF-style: chr16-88814520-C-T. GRCh37 (hg19) VCF-style: chr16-88880928-C-T.
Other names: c.933G>A, p.Trp311Ter (NM_001323543.2); c.1506G>A, p.Trp502Ter (NM_001323544.2); short protein forms W496*, W311*, W502*.
Identifiers: ClinVar variation 2989688 (VCV002989688.3), dbSNP rs1355113466, ClinGen allele CA397092695.

ClinVar aggregate classification (germline): Pathogenic (1 of 4 stars; one submission).

Conditions:
Mucopolysaccharidosis, MPS-IV-A (MPS4A). Also called: Morquio syndrome A, mild; MORQUIO SYNDROME A; GALACTOSAMINE-6-SULFATASE DEFICIENCY; GALNS DEFICIENCY; MORQUIO A DISEASE; Mucopolysaccharidosis type IV A. Identifiers: Orphanet 309297, Orphanet 582, MedGen C0086651, MONDO:0009659, OMIM 253000.

gnomAD v4.1: 7 of 1,555,840 alleles (0.00045%); highest among the groups gnomAD compares: Non-Finnish European, 0.00061%; no homozygotes.

Submission:

Labcorp Genetics (formerly Invitae), Labcorp
Classification: Pathogenic for Mucopolysaccharidosis, MPS-IV-A. Last evaluated: 2024-03-13. Review status: criteria provided, single submitter. Criteria: Invitae Variant Classification Sherloc (09022015). Collection method: clinical testing. Allele origin: germline.
Comment: This sequence change creates a premature translational stop signal (p.Trp496*) in the GALNS gene. While this is not anticipated to result in nonsense mediated decay, it is expected to disrupt the last 27 amino acid(s) of the GALNS protein. The frequency data for this variant in the population databases is considered unreliable, as metrics indicate poor data quality at this position in the gnomAD database. This variant has not been reported in the literature in individuals affected with GALNS-related conditions. This variant disrupts a region of the GALNS protein in which other variant(s) (p.Trp520Arg) have been determined to be pathogenic (PMID: 34472180). This suggests that this is a clinically significant region of the protein, and that variants that disrupt it are likely to be disease-causing. For these reasons, this variant has been classified as Pathogenic.

Literature cited by the submitters: PubMed 34472180.